The following is an entry in ClinVar:

NM_005477.3(HCN4):c.2519_2662dup (p.Cys887_Gly888insAlaSerProAlaSerSerProSerGlnValAspThrProSerSerSerSerPheHisIleGlnGlnLeuAlaGlyPheSerAlaProAlaGlyLeuSerProLeuLeuProSerSerSerSerSerProProProGlyAlaCys)

Gene: HCN4 (hyperpolarization activated cyclic nucleotide gated potassium channel 4; minus strand). Cytogenetic location: 15q24.1.
Variant type: Duplication.
Coding change: c.2519_2662dup on transcript NM_005477.3 (MANE Select); coding-DNA positions 2519 to 2662, 144 bases duplicated.
Protein change: p.Cys887_Gly888insAlaSerProAlaSerSerProSerGlnValAspThrProSerSerSerSerPheHisIleGlnGlnLeuAlaGlyPheSerAlaProAlaGlyLeuSerProLeuLeuProSerSerSerSerSerProProProGlyAlaCys.
Genome position (GRCh38, 1-based): chr15:73,323,431-73,323,574, 144 bases duplicated. GRCh37 (hg19): chr15:73,615,773-73,615,916.
Identifiers: ClinVar variation 3683806 (VCV003683806.2).

ClinVar aggregate classification (germline): Uncertain significance (1 of 4 stars; one submission).

Conditions:
Brugada syndrome 8 (BRGDA8). Identifiers: Orphanet 130, MedGen C2751083, MONDO:0013148, OMIM 613123.

Submission:

Labcorp Genetics (formerly Invitae), Labcorp
Classification: Uncertain significance for Brugada syndrome 8. Last evaluated: 2024-04-10. Review status: criteria provided, single submitter. Criteria: Invitae Variant Classification Sherloc (09022015). Collection method: clinical testing. Allele origin: germline.
Comment: This variant, c.2519_2662dup, results in the insertion of 48 amino acid(s) of the HCN4 protein (p.Ala840_Cys887dup), but otherwise preserves the integrity of the reading frame. This variant is not present in population databases (gnomAD no frequency). This variant has not been reported in the literature in individuals affected with HCN4-related conditions. Experimental studies and prediction algorithms are not available or were not evaluated, and the functional significance of this variant is currently unknown. In summary, the available evidence is currently insufficient to determine the role of this variant in disease. Therefore, it has been classified as a Variant of Uncertain Significance.